The following is an entry in ClinVar:

NM_001220.5(CAMK2B):c.1388C>T (p.Thr463Ile)

Gene: CAMK2B (calcium/calmodulin dependent protein kinase II beta; minus strand). Cytogenetic location: 7p13.
Variant type: single nucleotide variant.
Coding change: c.1388C>T on transcript NM_001220.5 (MANE Select); coding-DNA position 1388, C replaced by T.
Protein change: p.Thr463Ile; replaces threonine 463 with isoleucine.
Molecular consequence: missense variant. On other transcripts: intron variant (8).
Genome position (GRCh38, 1-based): chr7:44,228,876, G>A on the plus strand (C>T on the coding strand, the complement: CAMK2B is on the minus strand). VCF-style: chr7-44228876-G-A. GRCh37 (hg19) VCF-style: chr7-44268475-G-A.
Other names: c.1388C>T (NM_001220.4); c.947-7975C>T (NM_172084.3); c.1150+2130C>T (NM_172080.3); c.1036+2130C>T (NM_172083.3); c.1108+2130C>T (NM_172081.3); c.1153+2130C>T (NM_172079.3, NM_172082.3); c.1225+2130C>T (NM_001293170.2, NM_172078.3); short protein forms T463I.
Identifiers: ClinVar variation 1952646 (VCV001952646.6), dbSNP rs757288207, ClinGen allele CA157917739.

ClinVar aggregate classification (germline): Uncertain significance. Review status: criteria provided, multiple submitters, no conflicts (2 of 4 stars). 2 submissions from 2 submitters: Uncertain significance (2). Last evaluated 2024-05-23.

Conditions:
Inborn genetic diseases. Identifiers: MedGen C0950123, MeSH D030342.

Allele frequency attached by ClinVar (database versions not stated): gnomAD 0.00001; TOPMed 0.00003.
gnomAD v4.1: 9 of 1,585,200 alleles (0.00057%); highest among the groups gnomAD compares: African/African-American, 0.0068%; no homozygotes.

Submissions (2):

Ambry Genetics
Classification: Uncertain significance for Inborn genetic diseases. Last evaluated: 2024-05-23. Review status: criteria provided, single submitter. Criteria: Ambry Variant Classification Scheme 2023. Collection method: clinical testing. Allele origin: germline.

Labcorp Genetics (formerly Invitae), Labcorp
Classification: Uncertain significance. Last evaluated: 2024-01-04. Review status: criteria provided, single submitter. Criteria: Invitae Variant Classification Sherloc (09022015). Collection method: clinical testing. Allele origin: germline.
Comment: This sequence change replaces threonine, which is neutral and polar, with isoleucine, which is neutral and non-polar, at codon 463 of the CAMK2B protein (p.Thr463Ile). This variant is not present in population databases (gnomAD no frequency). This variant has not been reported in the literature in individuals affected with CAMK2B-related conditions. ClinVar contains an entry for this variant (Variation ID: 1952646). An algorithm developed to predict the effect of missense changes on protein structure and function (PolyPhen-2) suggests that this variant is likely to be tolerated. In summary, the available evidence is currently insufficient to determine the role of this variant in disease. Therefore, it has been classified as a Variant of Uncertain Significance.